The following is an entry in ClinVar:

NM_001127649.3(PEX26):c.*1635G>C

Gene: PEX26 (peroxisomal biogenesis factor 26; plus strand). Cytogenetic location: 22q11.21.
Variant type: single nucleotide variant.
Coding change: c.*1635G>C on transcript NM_001127649.3 (MANE Select); 1635 bases downstream of the stop codon, G replaced by C.
Molecular consequence: 3 prime UTR variant.
Genome position (GRCh38, 1-based): chr22:18,089,710, G>C. VCF-style: chr22-18089710-G-C. GRCh37 (hg19) VCF-style: chr22-18572476-G-C.
Other names: NC_000022.10:g.18572476G>C; c.*1635G>C (NM_001199319.2, NM_017929.6).
Identifiers: ClinVar variation 340794 (VCV000340794.7), dbSNP rs361703, ClinGen allele CA10650863.

ClinVar aggregate classification (germline): Benign. Review status: criteria provided, multiple submitters, no conflicts (2 of 4 stars). 2 submissions from 2 submitters: Benign (2). Last evaluated 2018-01-12.

Conditions:
Peroxisome biogenesis disorder 7A (Zellweger). Also called: Peroxisome biogenesis disorder 7A. Identifiers: Orphanet 912, MedGen C3888385, MONDO:0013938, OMIM 614872.

Allele frequency attached by ClinVar (database versions not stated): TOPMed 0.07587; gnomAD 0.09478 and 0.10001; 1000 Genomes Project 30x 0.13382; 1000 Genomes Project 0.13518.

Submissions (3):

Illumina Laboratory Services, Illumina
Classification: Benign for Peroxisome biogenesis disorder 7A (Zellweger). Last evaluated: 2018-01-12. Review status: criteria provided, single submitter. Criteria: ICSL Variant Classification Criteria 13 December 2019. Collection method: clinical testing. Allele origin: germline.
Comment: This variant was observed in the ICSL laboratory as part of a predisposition screen in an ostensibly healthy population. It had not been previously curated by ICSL or reported in the Human Gene Mutation Database (HGMD: prior to June 1st, 2018), and was therefore a candidate for classification through an automated scoring system. Utilizing variant allele frequency, disease prevalence and penetrance estimates, and inheritance mode, an automated score was calculated to assess if this variant is too frequent to cause the disease. Based on the score and internal cut-off values, a variant classified as benign is not then subjected to further curation. The score for this variant resulted in a classification of benign for this disease.

Breakthrough Genomics
Classification: Benign. Review status: criteria provided, single submitter. Criteria: ACMG Guidelines, 2015. Collection method: not provided. Allele origin: germline. Inheritance: Autosomal recessive inheritance. Affected: yes.

Dr. Peter K. Rogan Lab, Western University
No classification provided (evidence only). Condition: Thymoma. Review status: no classification provided. Collection method: in vitro. Allele origin: not applicable. Functional consequence: retained intron. Not counted in ClinVar's aggregate classification.